The following is an entry in ClinVar:

NM_004304.5(ALK):c.4044G>A (p.Met1348Ile)

Gene: ALK (ALK receptor tyrosine kinase; minus strand). Cytogenetic location: 2p23.2.
Variant type: single nucleotide variant.
Coding change: c.4044G>A on transcript NM_004304.5 (MANE Select); coding-DNA position 4044, G replaced by A.
Protein change: p.Met1348Ile; replaces methionine 1348 with isoleucine.
Molecular consequence: missense variant.
Genome position (GRCh38, 1-based): chr2:29,197,571, C>T on the plus strand (G>A on the coding strand, the complement: ALK is on the minus strand). VCF-style: chr2-29197571-C-T. GRCh37 (hg19) VCF-style: chr2-29420437-C-T.
Other names: c.840G>A, p.Met280Ile (NM_001353765.2); short protein forms M1348I, M280I.
Identifiers: ClinVar variation 1737309 (VCV001737309.2), dbSNP rs2465882494, ClinGen allele CA346465932.

ClinVar aggregate classification (germline): Uncertain significance (1 of 4 stars; one submission).

Conditions:
Hereditary cancer-predisposing syndrome. Also called: Neoplastic Syndromes, Hereditary; Tumor predisposition; Hereditary Cancer Syndrome; Hereditary neoplastic syndrome. Identifiers: Orphanet 140162, MedGen C0027672, MeSH D009386, MONDO:0015356.

Submission:

Ambry Genetics
Classification: Uncertain significance for Hereditary cancer-predisposing syndrome. Last evaluated: 2022-04-02. Review status: criteria provided, single submitter. Criteria: Ambry Variant Classification Scheme 2023. Collection method: clinical testing. Allele origin: germline.
Comment: The p.M1348I variant (also known as c.4044G>A), located in coding exon 27 of the ALK gene, results from a G to A substitution at nucleotide position 4044. The methionine at codon 1348 is replaced by isoleucine, an amino acid with highly similar properties. This amino acid position is conserved. In addition, the in silico prediction for this alteration is inconclusive. Since supporting evidence is limited at this time, the clinical significance of this alteration remains unclear.